The following is an entry in ClinVar:

NM_004329.3(BMPR1A):c.955G>T (p.Asp319Tyr)

Gene: BMPR1A (bone morphogenetic protein receptor type 1A; plus strand). Cytogenetic location: 10q23.2.
Variant type: single nucleotide variant.
Coding change: c.955G>T on transcript NM_004329.3 (MANE Select); coding-DNA position 955, G replaced by T.
Protein change: p.Asp319Tyr; replaces aspartic acid 319 with tyrosine.
Molecular consequence: missense variant. On other transcripts: non-coding transcript variant (3).
Genome position (GRCh38, 1-based): chr10:86,919,258, G>T. VCF-style: chr10-86919258-G-T. GRCh37 (hg19) VCF-style: chr10-88679015-G-T.
Other names: c.1030G>T, p.Asp344Tyr (NM_001406559.1); c.1003G>T, p.Asp335Tyr (NM_001406560.1); c.955G>T, p.Asp319Tyr (NM_001406561.1, NM_001406562.1, NM_001406563.1 and 19 more transcripts); c.949G>T, p.Asp317Tyr (NM_001406583.1); c.871G>T, p.Asp291Tyr (NM_001406584.1, NM_001406585.1, NM_001406586.1 and 2 more transcripts); c.613G>T, p.Asp205Tyr (NM_001406589.1); short protein forms D205Y, D291Y, D317Y, D319Y, D335Y, D344Y.
Identifiers: ClinVar variation 4867558 (VCV004867558.1).

ClinVar aggregate classification (germline): Uncertain significance (1 of 4 stars; one submission).

Conditions:
Hereditary cancer-predisposing syndrome. Also called: Neoplastic Syndromes, Hereditary; Tumor predisposition; Hereditary Cancer Syndrome; Hereditary neoplastic syndrome. Identifiers: Orphanet 140162, MedGen C0027672, MeSH D009386, MONDO:0015356.

Submission:

Ambry Genetics
Classification: Uncertain significance for Hereditary cancer-predisposing syndrome. Last evaluated: 2026-05-01. Review status: criteria provided, single submitter. Criteria: Ambry Variant Classification Scheme 2023. Collection method: clinical testing. Allele origin: germline.
Comment: The p.D319Y variant (also known as c.955G>T), located in coding exon 8 of the BMPR1A gene, results from a G to T substitution at nucleotide position 955. The aspartic acid at codon 319 is replaced by tyrosine, an amino acid with highly dissimilar properties. This amino acid position is conserved. In addition, this alteration is predicted to be deleterious by in silico analysis. Based on the available evidence, the clinical significance of this variant remains unclear.